The following is an entry in ClinVar:

NC_012920.1(MT-TT):m.15916T>C

Gene: MT-TT (mitochondrially encoded tRNA threonine; plus strand).
Variant type: single nucleotide variant.
Genome position: chrM-15916-T-C.
Identifiers: ClinVar variation 690234 (VCV000690234.1), dbSNP rs1603225591, ClinGen allele CA913175195.
Genomic context (GRCh38, chrMT:15,916, plus strand): 5'-CCTAATTGAAAACAAAATACTCAAATGGGCCTGTCCTTGTAGTATAAACTAATACACCAG[T>C]CTTGTAAACCGGAGATGAAAACCTTTTTCCAAGGACAAATCAGAGAAAAAGTCTTTAACT-3'

ClinVar aggregate classification (germline): Benign (1 of 4 stars; one submission).

Conditions:
MELAS syndrome (MELAS). Also called: Juvenile myopathy, encephalopathy, lactic acidosis, stroke. Identifiers: Orphanet 550, MedGen C0162671, MONDO:0010789, OMIM 540000.

Submission:

Wong Mito Lab, Molecular and Human Genetics, Baylor College of Medicine
Classification: Benign for MELAS syndrome. Last evaluated: 2019-07-12. Review status: criteria provided, single submitter. Criteria: Modified ACMG Guidelines (Unpublished). Collection method: clinical testing. Allele origin: germline.
Comment: The NC_012920.1:m.15916T>C variant in MT-TT gene is interpreted to be a Benign variant based on the modified ACMG guidelines (unpublished). This variant meets the following evidence codes reported in the guidelines: BS1, BS2

Literature cited by the submitters: PubMed 31965079.